The following is an entry in ClinVar:

ClinVar aggregate classification (germline): Uncertain significance (1 of 4 stars; one submission).

Conditions:
Leigh syndrome (NULS). Also called: Leigh's necrotizing encephalopathy; Leigh's disease; Leigh Syndrome (mtDNA deletion); Leigh Disease; Subacute necrotizing encephalopathy; Necrotizing encephalopathy infantile subacute of Leigh. Identifiers: Orphanet 506, MedGen C2931891, MONDO:0009723, OMIM 256000.

Submission:

Wong Mito Lab, Molecular and Human Genetics, Baylor College of Medicine
Classification: Uncertain significance for Leigh syndrome. Last evaluated: 2019-10-17. Review status: criteria provided, single submitter. Criteria: Modified ACMG Guidelines (Unpublished). Collection method: clinical testing. Allele origin: germline.
Comment: The NC_012920.1:m.4503A>T (YP_003024027.1:p.Thr12Ser) variant in MTND2 gene is interpretated to be a Uncertain Significance variant based on the modified ACMG guidelines (unpublished). This variant meets the following evidence codes: PP7

NC_012920.1(MT-ND2):m.4503A>T

Gene: MT-ND2 (mitochondrially encoded NADH dehydrogenase 2; plus strand).
Variant type: single nucleotide variant.
Genome position: chrM-4503-A-T.
Identifiers: ClinVar variation 692454 (VCV000692454.1), dbSNP rs1603219486, ClinGen allele CA414774612.
Genomic context (GRCh38, chrMT:4,503, plus strand): 5'-AATGTTGGTTATACCCTTCCCGTACTAATTAATCCCCTGGCCCAACCCGTCATCTACTCT[A>T]CCATCTTTGCAGGCACACTCATCACAGCGCTAAGCTCGCACTGATTTTTTACCTGAGTAG-3'